The following is an entry in ClinVar:

NM_001348768.2(HECW2):c.4642C>T (p.Pro1548Ser)

Gene: HECW2 (HECT, C2 and WW domain containing E3 ubiquitin protein ligase 2; minus strand). Cytogenetic location: 2q32.3.
Variant type: single nucleotide variant.
Coding change: c.4642C>T on transcript NM_001348768.2 (MANE Select); coding-DNA position 4642, C replaced by T.
Protein change: p.Pro1548Ser; replaces proline 1548 with serine.
Molecular consequence: missense variant.
Genome position (GRCh38, 1-based): chr2:196,201,354, G>A on the plus strand (C>T on the coding strand, the complement: HECW2 is on the minus strand). VCF-style: chr2-196201354-G-A. GRCh37 (hg19) VCF-style: chr2-197066078-G-A.
Other names: c.3574C>T, p.Pro1192Ser (NM_001304840.3); c.4642C>T, p.Pro1548Ser (NM_020760.4); short protein forms P1192S, P1548S.
Identifiers: ClinVar variation 1098596 (VCV001098596.26), dbSNP rs145760297, ClinGen allele CA2037454.

ClinVar aggregate classification (germline): Conflicting classifications of pathogenicity. Review status: criteria provided, conflicting classifications (1 of 4 stars). 3 submissions from 3 submitters: Uncertain significance (1); Likely benign (2). Last evaluated 2024-09-01.

Conditions:
Neurodevelopmental disorder with hypotonia, seizures, and absent language (NDHSAL). Identifiers: MedGen C4310643, MONDO:0014995, OMIM 617268.

Allele frequency attached by ClinVar (database versions not stated): gnomAD exomes 0.00002 and 0.00003; ExAC 0.00003; gnomAD 0.00003; TOPMed 0.00005; ESP Exome Variant Server 0.00008.
gnomAD v4.1: 35 of 1,613,562 alleles (0.0022%); highest among the groups gnomAD compares: Admixed American, 0.0083%; no homozygotes.

Submissions (3):

Blueprint Genetics
Classification: Likely benign. Last evaluated: 2024-09-01. Review status: criteria provided, single submitter. Criteria: ACMG Guidelines, 2015. Collection method: clinical testing. Allele origin: germline.

CeGaT Center for Human Genetics Tuebingen
Classification: Likely benign. Last evaluated: 2022-09-01. Review status: criteria provided, single submitter. Criteria: CeGaT Center For Human Genetics Tuebingen Variant Classification Criteria Version 2. Collection method: clinical testing. Allele origin: germline. Affected: yes. Observed: 1 variant allele.
Comment: HECW2: PP2, BS2

New York Genome Center
Classification: Uncertain significance for Neurodevelopmental disorder with hypotonia, seizures, and absent language. Last evaluated: 2020-07-27. Review status: criteria provided, single submitter. Criteria: NYGC Assertion Criteria 2020. Collection method: clinical testing. Allele origin: inherited. Observed: 1 heterozygote. Study: CSER-NYCKidSeq.